The following is an entry in ClinVar:

ClinVar aggregate classification (germline): Conflicting classifications of pathogenicity. Review status: criteria provided, conflicting classifications (1 of 4 stars). 3 submissions from 3 submitters: Likely pathogenic (1); Uncertain significance (2). Last evaluated 2026-04-29.

Conditions:
THRB-related disorder. Also called: THRB-related condition.
Hyperthyroidism. Identifiers: MedGen C0020550, MONDO:0004425, HP:0000836.

Submissions (3):

Cambridge Genomics Laboratory, East Genomic Laboratory Hub, NHS Genomic Medicine Service
Classification: Likely pathogenic for Hyperthyroidism. Last evaluated: 2026-04-29. Review status: criteria provided, single submitter. Criteria: ACGS Best Practice Guidelines for Variant Classification in Rare Disease 2020. Collection method: clinical testing. Allele origin: germline. Affected: yes.
Comment: PS4_Moderate,PM1_Supporting,PM2,PP3,PP4

Women's Health and Genetics/Laboratory Corporation of America, LabCorp
Classification: Uncertain significance. Last evaluated: 2025-05-27. Review status: criteria provided, single submitter. Criteria: LabCorp Variant Classification Summary - May 2015. Collection method: clinical testing. Allele origin: germline.
Comment: Variant summary: THRB c.1052A>G (p.Asp351Gly) results in a non-conservative amino acid change in the encoded protein sequence. Algorithms developed to predict the effect of missense changes on protein structure and function all suggest that this variant is likely to be disruptive. The variant was absent in 251414 control chromosomes (gnomAD). The available data on variant occurrences in the general population are insufficient to allow any conclusion about variant significance. c.1052A>G has been observed in one individual affected with Thyroid Hormone Resistance, Generalized, Autosomal Dominant (Mitchell_2010). The report does not provide unequivocal conclusions about association of the variant with Thyroid Hormone Resistance, Generalized, Autosomal Dominant. To our knowledge, no experimental evidence demonstrating an impact on protein function has been reported. The following publication have been ascertained in the context of this evaluation (PMID: 20237409). ClinVar contains an entry for this variant (Variation ID: 2636515). Based on the evidence outlined above, the variant was classified as uncertain significance.

PreventionGenetics, part of Exact Sciences
Classification: Uncertain significance for THRB-related condition. Last evaluated: 2022-08-29. Review status: criteria provided, single submitter. Criteria: ACMG Guidelines, 2015. Collection method: clinical testing. Allele origin: germline.
Comment: The THRB c.1052A>G variant is predicted to result in the amino acid substitution p.Asp351Gly. This variant was reported in an individual with thyroid hormone resistance (Mitchell et al. 2010. PubMed ID: 20237409). This variant has not been reported in a large population database, indicating this variant is rare. At this time, the clinical significance of this variant is uncertain due to the absence of conclusive functional and genetic evidence.

Literature cited by the submitters: PubMed 20237409 (cited by Women's Health and Genetics/Laboratory Corporation of America, LabCorp).

NM_001354712.2(THRB):c.1052A>G (p.Asp351Gly)

Gene: THRB (thyroid hormone receptor beta; minus strand). Cytogenetic location: 3p24.2.
Variant type: single nucleotide variant.
Coding change: c.1052A>G on transcript NM_001354712.2 (MANE Select); coding-DNA position 1052, A replaced by G.
Protein change: p.Asp351Gly; replaces aspartic acid 351 with glycine.
Molecular consequence: missense variant. On other transcripts: intron variant (1).
Genome position (GRCh38, 1-based): chr3:24,127,591, T>C on the plus strand (A>G on the coding strand, the complement: THRB is on the minus strand). VCF-style: chr3-24127591-T-C. GRCh37 (hg19) VCF-style: chr3-24169082-T-C.
Other names: c.1052A>G, p.Asp351Gly (NM_000461.5, NM_001128176.3, NM_001128177.2 and 11 more transcripts); c.959A>G, p.Asp320Gly (NM_001354714.2, NM_001354715.2); c.973+79A>G (NM_001374827.1); short protein forms D320G, D351G.
Identifiers: ClinVar variation 2636515 (VCV002636515.3), dbSNP rs2471728458, ClinGen allele CA351888676.